The following is an entry in ClinVar:

NM_004393.6(DAG1):c.1088C>T (p.Pro363Leu)

Gene: DAG1 (dystroglycan 1; plus strand). Cytogenetic location: 3p21.31.
Variant type: single nucleotide variant.
Coding change: c.1088C>T on transcript NM_004393.6 (MANE Select); coding-DNA position 1088, C replaced by T.
Protein change: p.Pro363Leu; replaces proline 363 with leucine.
Molecular consequence: missense variant.
Genome position (GRCh38, 1-based): chr3:49,531,599, C>T. VCF-style: chr3-49531599-C-T. GRCh37 (hg19) VCF-style: chr3-49569032-C-T.
Other names: c.1088C>T, p.Pro363Leu (NM_001165928.4, NM_001177634.3, NM_001177635.3 and 9 more transcripts); short protein forms P363L.
Identifiers: ClinVar variation 945896 (VCV000945896.7), dbSNP rs2051348754, ClinGen allele CA352794705.

ClinVar aggregate classification (germline): Uncertain significance (1 of 4 stars; one submission).

Conditions:
Autosomal recessive limb-girdle muscular dystrophy type 2P. Also called: MUSCULAR DYSTROPHY-DYSTROGLYCANOPATHY, LIMB-GIRDLE, DAG1-RELATED; Limb-Girdle Muscular Dystrophy Type 9C; MUSCULAR DYSTROPHY, LIMB-GIRDLE, TYPE 2P. Identifiers: Orphanet 280333, MedGen C4511963, MONDO:0013440, OMIM 613818.
Muscular dystrophy-dystroglycanopathy (congenital with brain and eye anomalies), type A9. Also called: WALKER-WARBURG SYNDROME OR MUSCLE-EYE BRAIN DISEASE, DAG1-RELATED; Muscular dystrophy-dystroglycanopathy (congenital with brain and eye anomalies), type a, 9. Identifiers: Orphanet 370997, Orphanet 899, MedGen C4225291, MONDO:0014683, OMIM 616538.

Allele frequency attached by ClinVar (database versions not stated): gnomAD 0.00001.
gnomAD v4.1: 3 of 1,613,050 alleles (0.00019%); highest among the groups gnomAD compares: Admixed American, 0.0017%; no homozygotes.

Submission:

Labcorp Genetics (formerly Invitae), Labcorp
Classification: Uncertain significance for Autosomal recessive limb-girdle muscular dystrophy type 2P; Muscular dystrophy-dystroglycanopathy (congenital with brain and eye anomalies), type A9. Last evaluated: 2021-10-27. Review status: criteria provided, single submitter. Criteria: Invitae Variant Classification Sherloc (09022015). Collection method: clinical testing. Allele origin: germline.
Comment: This variant is not present in population databases (gnomAD no frequency). This sequence change replaces proline, a(n) neutral and non-polar amino acid, with leucine, a(n) neutral and non-polar amino acid, at codon 363 of the DAG1 protein (p.Pro363Leu). This variant has not been reported in the literature in individuals affected with DAG1-related conditions. ClinVar contains an entry for this variant (Variation ID: 945896). Algorithms developed to predict the effect of missense changes on protein structure and function are either unavailable or do not agree on the potential impact of this missense change (SIFT: "Deleterious"; PolyPhen-2: "Possibly Damaging"; Align-GVGD: "Class C0"). In summary, the available evidence is currently insufficient to determine the role of this variant in disease. Therefore, it has been classified as a Variant of Uncertain Significance.